The following is an entry in ClinVar:

ClinVar aggregate classification (germline): Uncertain significance (1 of 4 stars; one submission).

Submission:

Dasa
Classification: Uncertain significance. Last evaluated: 2026-08-06. Review status: criteria provided, single submitter. Criteria: DASA Assertion Criteria. Collection method: clinical testing. Allele origin: germline.
Comment: NM_004522.3(KIF5C):c.2248A>G (p.Ser750Gly) is a missense variant that results in the substitution of serine with glycine. This variant is rare in population databases. The currently available literature and clinical evidence are not sufficient to establish a definitive association between this variant and the reported condition. Therefore, this variant is classified as a variant of uncertain significance.

NM_004522.3(KIF5C):c.2248A>G (p.Ser750Gly)

Gene: KIF5C (kinesin family member 5C; plus strand). Cytogenetic location: 2q23.2.
Variant type: single nucleotide variant.
Coding change: c.2248A>G on transcript NM_004522.3 (MANE Select); coding-DNA position 2248, A replaced by G.
Protein change: p.Ser750Gly; replaces serine 750 with glycine.
Molecular consequence: missense variant. On other transcripts: non-coding transcript variant (1).
Genome position (GRCh38, 1-based): chr2:149,000,460, A>G. VCF-style: chr2-149000460-A-G. GRCh37 (hg19) VCF-style: chr2-149856974-A-G.
Other names: short protein forms S750G.
Identifiers: ClinVar variation 5020533 (VCV005020533.1).